The following is an entry in ClinVar:

NM_206933.4(USH2A):c.13684A>G (p.Ile4562Val)

Gene: USH2A (usherin; minus strand). Cytogenetic location: 1q41.
Variant type: single nucleotide variant.
Coding change: c.13684A>G on transcript NM_206933.4 (MANE Select); coding-DNA position 13684, A replaced by G.
Protein change: p.Ile4562Val; replaces isoleucine 4562 with valine.
Molecular consequence: missense variant.
Genome position (GRCh38, 1-based): chr1:215,674,227, T>C on the plus strand (A>G on the coding strand, the complement: USH2A is on the minus strand). VCF-style: chr1-215674227-T-C. GRCh37 (hg19) VCF-style: chr1-215847569-T-C.
Other names: short protein forms I4562V.
Identifiers: ClinVar variation 1032621 (VCV001032621.4), dbSNP rs1427845684, ClinGen allele CA344843901.

ClinVar aggregate classification (germline): Uncertain significance. Review status: criteria provided, multiple submitters, no conflicts (2 of 4 stars). 5 submissions from 4 submitters: Uncertain significance (5). Last evaluated 2025-02-28.

Conditions:
Retinitis pigmentosa 39 (RP39). Identifiers: Orphanet 791, MedGen C3151138, MONDO:0013436, OMIM 613809.
Usher syndrome type 2A. Also called: RETINAL DISEASE IN USHER SYNDROME TYPE IIA, MODIFIER OF; USHER SYNDROME, TYPE IIA. Identifiers: Orphanet 231178, Orphanet 886, MedGen C1848634, MONDO:0010169, OMIM 276901.

Allele frequency attached by ClinVar (database versions not stated): gnomAD 0.00001; gnomAD exomes 0.00001 and 0.00002; TOPMed 0.00002.
gnomAD v4.1: 11 of 1,614,044 alleles (0.00068%); highest among the groups gnomAD compares: Admixed American, 0.015%; no homozygotes.

Submissions (5):

GeneDx
Classification: Uncertain significance. Last evaluated: 2025-02-28. Review status: criteria provided, single submitter. Criteria: GeneDx Variant Classification Process June 2021. Collection method: clinical testing. Allele origin: germline. Affected: yes.
Comment: In silico analysis indicates that this missense variant does not alter protein structure/function; Has not been previously published as pathogenic or benign to our knowledge

Genome-Nilou Lab
Classification: Uncertain significance for Retinitis pigmentosa 39. Last evaluated: 2023-11-04. Review status: criteria provided, single submitter. Criteria: ACMG Guidelines, 2015. Collection method: clinical testing. Allele origin: germline. Affected: no.

Genome-Nilou Lab
Classification: Uncertain significance for Usher syndrome type 2A. Last evaluated: 2023-11-04. Review status: criteria provided, single submitter. Criteria: ACMG Guidelines, 2015. Collection method: clinical testing. Allele origin: germline. Affected: no.

Labcorp Genetics (formerly Invitae), Labcorp
Classification: Uncertain significance. Last evaluated: 2021-08-30. Review status: criteria provided, single submitter. Criteria: Invitae Variant Classification Sherloc (09022015). Collection method: clinical testing. Allele origin: germline.
Comment: This sequence change replaces isoleucine with valine at codon 4562 of the USH2A protein (p.Ile4562Val). The isoleucine residue is highly conserved and there is a small physicochemical difference between isoleucine and valine. This variant is not present in population databases (ExAC no frequency). This variant has not been reported in the literature in individuals affected with USH2A-related conditions. Algorithms developed to predict the effect of missense changes on protein structure and function are either unavailable or do not agree on the potential impact of this missense change (SIFT: "Deleterious"; PolyPhen-2: "Benign"; Align-GVGD: "Class C25"). In summary, the available evidence is currently insufficient to determine the role of this variant in disease. Therefore, it has been classified as a Variant of Uncertain Significance.

Baylor Genetics
Classification: Uncertain significance for Retinitis pigmentosa 39. Last evaluated: 2018-01-25. Review status: criteria provided, single submitter. Criteria: ACMG Guidelines, 2015. Collection method: clinical testing. Allele origin: maternal. Affected: yes.
Comment: This variant was determined to be of uncertain significance according to ACMG Guidelines, 2015 [PMID:25741868].